The following is an entry in ClinVar:

NM_001127898.4(CLCN5):c.1975C>T (p.Arg659Trp)

Genes: CLCN5 (Cl-/H+ antiporter 5; plus strand), LOC126863258 (BRD4-independent group 4 enhancer GRCh37_chrX:49854497-49855696; plus strand). Cytogenetic location: Xp11.23.
Variant type: single nucleotide variant.
Coding change: c.1975C>T on transcript NM_001127898.4 (MANE Select); coding-DNA position 1975, C replaced by T.
Protein change: p.Arg659Trp; replaces arginine 659 with tryptophan.
Molecular consequence: missense variant.
Genome position (GRCh38, 1-based): chrX:50,090,346, C>T. VCF-style: chrX-50090346-C-T. GRCh37 (hg19) VCF-style: chrX-49855003-C-T.
Other names: c.1765C>T, p.Arg589Trp (NM_000084.5); c.1975C>T, p.Arg659Trp (NM_001127899.4); c.1825C>T, p.Arg609Trp (NM_001282163.2); c.1765C>T (NM_000084.4); short protein forms R589W, R609W, R659W.
Identifiers: ClinVar variation 3234081 (VCV003234081.4), dbSNP rs782594764, ClinGen allele CA10413943.

ClinVar aggregate classification (germline): Uncertain significance. Review status: criteria provided, multiple submitters, no conflicts (2 of 4 stars). 2 submissions from 2 submitters: Uncertain significance (2). Last evaluated 2024-05-10.

Conditions:
Proteinuria, low molecular weight, with hypercalciuria and nephrocalcinosis. Identifiers: Orphanet 1652, Orphanet 93622, MedGen C1839874, MONDO:0010644, OMIM 308990.
X-linked recessive nephrolithiasis with renal failure (XRN). Also called: UROLITHIASIS, X-LINKED RECESSIVE, TYPE 1; NEPHROLITHIASIS 1; NEPHROLITHIASIS, X-LINKED RECESSIVE, TYPE 1. Identifiers: Orphanet 1652, Orphanet 93622, MedGen C0403720, MONDO:0010687, OMIM 310468.
Dent disease type 1 (DENT1). Also called: NEPHROLITHIASIS 2; NEPHROLITHIASIS, HYPERCALCIURIC, X-LINKED. Identifiers: Orphanet 1652, Orphanet 93622, MedGen C1848336, MONDO:0010225, OMIM 300009.
Hypophosphatemic rickets, X-linked recessive (XLHRR). Identifiers: Orphanet 1652, Orphanet 93622, MedGen C1845168, MONDO:0010358, OMIM 300554.

Allele frequency attached by ClinVar (database versions not stated): gnomAD exomes 0.00001; TOPMed 0.00001; ExAC 0.00002.
gnomAD v4.1: 8 of 1,211,170 alleles (0.00066%); highest among the groups gnomAD compares: African/African-American, 0.0035%; no homozygotes.

Submissions (2):

Fulgent Genetics
Classification: Uncertain significance for Dent disease type 1; Hypophosphatemic rickets, X-linked recessive; Proteinuria, low molecular weight, with hypercalciuria and nephrocalcinosis; X-linked recessive nephrolithiasis with renal failure. Last evaluated: 2024-05-10. Review status: criteria provided, single submitter. Criteria: ACMG Guidelines, 2015. Collection method: clinical testing. Allele origin: germline.

MVZ Medizinische Genetik Mainz
Classification: Uncertain significance for Dent disease type 1. Last evaluated: 2023-03-16. Review status: criteria provided, single submitter. Criteria: UK Practice Guidelines For Variant Classification V4 01 2020. Collection method: clinical testing. Allele origin: germline. Inheritance: X-linked dominant inheritance. Affected: yes. Observed: 1 variant allele.
Comment: ACMG Criteria: PM2_SUP,PP3